The following is an entry in ClinVar:

NM_173598.6(KSR2):c.1725C>T (p.Phe575=)

Gene: KSR2 (kinase suppressor of ras 2; minus strand). Cytogenetic location: 12q24.22.
Variant type: single nucleotide variant.
Coding change: c.1725C>T on transcript NM_173598.6 (MANE Select); coding-DNA position 1725, C replaced by T.
Protein change: p.Phe575=; no amino-acid change (phenylalanine 575 retained).
Molecular consequence: synonymous variant.
Genome position (GRCh38, 1-based): chr12:117,531,670, G>A on the plus strand (C>T on the coding strand, the complement: KSR2 is on the minus strand). VCF-style: chr12-117531670-G-A. GRCh37 (hg19) VCF-style: chr12-117969475-G-A.
Identifiers: ClinVar variation 3354283 (VCV003354283.1).

ClinVar aggregate classification (germline): Likely benign (0 of 4 stars; one submission).

Conditions:
KSR2-related disorder. Also called: KSR2-related condition.

Submission:

PreventionGenetics, part of Exact Sciences
Classification: Likely benign for KSR2-related condition. Last evaluated: 2022-11-03. Review status: no assertion criteria provided. Collection method: clinical testing. Allele origin: germline.
Comment: This variant is classified as likely benign based on ACMG/AMP sequence variant interpretation guidelines (Richards et al. 2015 PMID: 25741868, with internal and published modifications).